The following is an entry in ClinVar:

NM_024915.4(GRHL2):c.437G>A (p.Ser146Asn)

Gene: GRHL2 (grainyhead like transcription factor 2; plus strand). Cytogenetic location: 8q22.3.
Variant type: single nucleotide variant.
Coding change: c.437G>A on transcript NM_024915.4 (MANE Select); coding-DNA position 437, G replaced by A.
Protein change: p.Ser146Asn; replaces serine 146 with asparagine.
Molecular consequence: missense variant.
Genome position (GRCh38, 1-based): chr8:101,558,571, G>A. VCF-style: chr8-101558571-G-A. GRCh37 (hg19) VCF-style: chr8-102570799-G-A.
Other names: c.389G>A, p.Ser130Asn (NM_001330593.2); short protein forms S130N, S146N.
Identifiers: ClinVar variation 1310900 (VCV001310900.2), dbSNP rs2130176157, ClinGen allele CA371643968.

ClinVar aggregate classification (germline): Uncertain significance (1 of 4 stars; one submission).

Submission:

GeneDx
Classification: Uncertain significance. Last evaluated: 2019-12-04. Review status: criteria provided, single submitter. Criteria: GeneDx Variant Classification Process June 2021. Collection method: clinical testing. Allele origin: germline. Affected: yes.
Comment: Not observed in large population cohorts (Lek et al., 2016); In silico analysis, which includes protein predictors and evolutionary conservation, supports that this variant does not alter protein structure/function; Has not been previously published as pathogenic or benign to our knowledge